The following is an entry in ClinVar:

NM_006950.3(SYN1):c.1385dup (p.Pro463fs)

Gene: SYN1 (synapsin I; minus strand). Cytogenetic location: Xp11.3.
Variant type: Duplication.
Coding change: c.1385dup on transcript NM_006950.3 (MANE Select); coding-DNA position 1385, one base duplicated (C; older notation c.1385dupC).
Protein change: p.Pro463fs; shifts the reading frame from proline 463.
Molecular consequence: frameshift variant.
Genome position (GRCh38, 1-based): chrX:47,574,696, G duplicated on the plus strand (C on the coding strand, the reverse complement: SYN1 is on the minus strand); the first of 5 consecutive G bases (chrX:47,574,696-47,574,700); duplicating any one gives the same sequence. VCF-style (leftmost placement, unchanged base first): chrX-47574695-T-TG. GRCh37 (hg19) VCF-style: chrX-47434094-T-TG.
Other names: c.1385dup, p.Pro463fs (NM_133499.2); short protein forms P463fs.
Identifiers: ClinVar variation 1489277 (VCV001489277.8), dbSNP rs2147912440, ClinGen allele CA2573158863.
Genomic context (GRCh38, chrX:47,574,695, plus strand): 5'-GTAAGAGATGGCGGGCTGAGGGAGGGGACTGCGACCGCCAGCCTCTCGCTTACCCTGTGG[T>TG]GGGGGTCGCTGCTGAGCCGGGGGCCCTGCGGGCTGCTGGGAGGTCTGGCGGCCCAAGGGC-3'

ClinVar aggregate classification (germline): Pathogenic (1 of 4 stars; one submission).

Conditions:
Epilepsy, X-linked 1, with variable learning disabilities and behavior disorders. Also called: X-linked epilepsy-learning disabilities-behavior disorders syndrome. Identifiers: Orphanet 85294, MedGen C5774177, MONDO:0010339, OMIM 300491.

Submission:

Labcorp Genetics (formerly Invitae), Labcorp
Classification: Pathogenic for Epilepsy, X-linked 1, with variable learning disabilities and behavior disorders. Last evaluated: 2023-07-14. Review status: criteria provided, single submitter. Criteria: Invitae Variant Classification Sherloc (09022015). Collection method: clinical testing. Allele origin: germline.
Comment: This variant has not been reported in the literature in individuals affected with SYN1-related conditions. For these reasons, this variant has been classified as Pathogenic. This variant disrupts a region of the SYN1 protein in which other variant(s) (p.Pro664Ser) have been determined to be pathogenic (Invitae). This suggests that this is a clinically significant region of the protein, and that variants that disrupt it are likely to be disease-causing. ClinVar contains an entry for this variant (Variation ID: 1489277). This variant is not present in population databases (gnomAD no frequency). This sequence change results in a frameshift in the SYN1 gene (p.Pro463Thrfs*213). While this is not anticipated to result in nonsense mediated decay, it is expected to disrupt the last 207 amino acid(s) of the SYN1 protein and extend the protein by 5 additional amino acid residues.